The following is an entry in ClinVar:

NM_000525.4(KCNJ11):c.497G>T (p.Cys166Phe)

Gene: KCNJ11 (potassium inwardly rectifying channel subfamily J member 11; minus strand). Cytogenetic location: 11p15.1.
Variant type: single nucleotide variant.
Coding change: c.497G>T on transcript NM_000525.4 (MANE Select); coding-DNA position 497, G replaced by T.
Protein change: p.Cys166Phe; replaces cysteine 166 with phenylalanine.
Molecular consequence: missense variant.
Genome position (GRCh38, 1-based): chr11:17,387,595, C>A on the plus strand (G>T on the coding strand, the complement: KCNJ11 is on the minus strand). VCF-style: chr11-17387595-C-A. GRCh37 (hg19) VCF-style: chr11-17409142-C-A.
Other names: c.236G>T, p.Cys79Phe (NM_001166290.2, NM_001377296.1, NM_001377297.1); short protein forms C166F, C79F.
Identifiers: ClinVar variation 8679 (VCV000008679.6), dbSNP rs80356618, ClinGen allele CA119833.

ClinVar aggregate classification (germline): drug response. Review status: criteria provided, single submitter (1 of 4 stars). 3 submissions from 3 submitters: drug response (1). 2 of the submissions do not count toward it.

Conditions:
Diabetes mellitus, permanent neonatal 2. Also called: KCNJ11-Related Permanent Neonatal Diabetes Mellitus. Identifiers: MedGen C5394296, MONDO:0030087, OMIM 618856.
Glibenclamide response. Also called: Glyburide response; Glybenclamide response. Identifiers: MedGen CN437679.
Permanent neonatal diabetes mellitus (PNDM). Identifiers: Orphanet 99885, MedGen C1833104, MONDO:0100164, MONDO:0011643. Disease mechanism: gain of function.

Submissions (3):

Clinical Genomics, Uppaluri K&H Personalized Medicine Clinic
Classification: drug response for glibenclamide response. Review status: criteria provided, single submitter. Criteria: K & H Uppaluri Personalized Medicine Clinic Variant Classification & Assertion Criteria_Updated V.1. Collection method: research. Allele origin: somatic. Inheritance: Autosomal dominant inheritance. Affected: yes.
Comment: Mutations in KCNJ11 gene can cause decreased production and secretion of insulin. This can lead to MODY which may be responsive to oral sulfonylureas. However, this particular variant rs80356618 is associated with poor response to glibenclamide.

poor response to glibenclamide

OMIM
Classification: Pathogenic for DIABETES MELLITUS, PERMANENT NEONATAL, 2, WITH NEUROLOGIC FEATURES. Last evaluated: 2006-07-01. Review status: no assertion criteria provided. Collection method: literature only. Allele origin: germline. Not counted in ClinVar's aggregate classification.

GeneReviews
No classification provided. Condition: Permanent neonatal diabetes mellitus. Review status: no classification provided. Collection method: literature only. Allele origin: unknown. Not counted in ClinVar's aggregate classification.

Literature cited by the submitters: PubMed 16670688 (cited by OMIM and GeneReviews); PubMed 16416420 (cited by GeneReviews); PubMed 20301620 (cited by GeneReviews); NCBI Bookshelf NBK1447 (cited by GeneReviews).